The following is an entry in ClinVar:

NM_000465.4(BARD1):c.1053G>A (p.Thr351=)

Gene: BARD1 (BRCA1 associated RING domain 1; minus strand). Cytogenetic location: 2q35.
Variant type: single nucleotide variant.
Coding change: c.1053G>A on transcript NM_000465.4 (MANE Select); coding-DNA position 1053, G replaced by A.
Protein change: p.Thr351=; no amino-acid change (threonine 351 retained).
Molecular consequence: synonymous variant. On other transcripts: non-coding transcript variant (2), intron variant (3).
Genome position (GRCh38, 1-based): chr2:214,780,821, C>T on the plus strand (G>A on the coding strand, the complement: BARD1 is on the minus strand). VCF-style: chr2-214780821-C-T. GRCh37 (hg19) VCF-style: chr2-215645545-C-T.
Other names: c.996G>A, p.Thr332= (NM_001282543.2); c.159-28266G>A (NM_001282548.2); c.215+16240G>A (NM_001282545.2); c.364+11476G>A (NM_001282549.2).
Identifiers: ClinVar variation 414111 (VCV000414111.19), dbSNP rs2070096, ClinGen allele CA16610650.
Genomic context (GRCh38, chr2:214,780,821, plus strand): 5'-TTTACGTTTGCATGAAGGTGGTGAAGAACATTCAGGCAATGGTATATTTTCTGAGGGCAC[C>T]GTTTGCTTAACAAAATCTCCACTGGTGCTCAGAATGCTGGTTCTACATCTCTTAGAAATG-3'
Protein context (NP_000456.2, residues 341-361): LSTSGDFVKQ[Thr351=]VPSENIPLPE

ClinVar aggregate classification (germline): Benign/Likely benign. Review status: criteria provided, multiple submitters, no conflicts (2 of 4 stars). 4 submissions from 4 submitters: Benign (2); Likely benign (2). Last evaluated 2025-03-25.

Conditions:
Hereditary cancer-predisposing syndrome. Also called: Neoplastic Syndromes, Hereditary; Tumor predisposition; Hereditary Cancer Syndrome; Hereditary neoplastic syndrome. Identifiers: Orphanet 140162, MedGen C0027672, MeSH D009386, MONDO:0015356.
Familial cancer of breast. Also called: hereditary breast carcinoma; BREAST CANCER, FAMILIAL; Hereditary breast cancer. Identifiers: Orphanet 227535, MedGen C0346153, MONDO:0016419, OMIM 114480. Disease mechanism: loss of function.

Submissions (4):

Labcorp Genetics (formerly Invitae), Labcorp
Classification: Likely benign for Familial cancer of breast. Last evaluated: 2025-03-25. Review status: criteria provided, single submitter. Criteria: Invitae Variant Classification Sherloc (09022015). Collection method: clinical testing. Allele origin: germline.

Myriad Genetics, Inc.
Classification: Benign for Familial cancer of breast. Last evaluated: 2024-07-24. Review status: criteria provided, single submitter. Criteria: Myriad Autosomal Dominant, Autosomal Recessive and X-Linked Classification Criteria (2023). Collection method: clinical testing. Allele origin: unknown.
Comment: This variant is considered benign. This variant is a silent/synonymous amino acid change and it is not expected to impact splicing.

Blueprint Genetics
Classification: Likely benign. Last evaluated: 2019-05-08. Review status: criteria provided, single submitter. Criteria: ACMG Guidelines, 2015. Collection method: clinical testing. Allele origin: germline.

Ambry Genetics
Classification: Benign for Hereditary cancer-predisposing syndrome. Last evaluated: 2016-08-19. Review status: criteria provided, single submitter. Criteria: Ambry Variant Classification Scheme 2023. Collection method: clinical testing. Allele origin: germline.